The following is an entry in ClinVar:

NM_001267550.2(TTN):c.100578C>T (p.Ile33526=)

Genes: TTN (titin; minus strand), TTN-AS1 (TTN antisense RNA 1; plus strand). Cytogenetic location: 2q31.2.
Variant type: single nucleotide variant.
Coding change: c.100578C>T on transcript NM_001267550.2 (MANE Select); coding-DNA position 100578, C replaced by T.
Protein change: p.Ile33526=; no amino-acid change (isoleucine 33526 retained).
Molecular consequence: synonymous variant.
Genome position (GRCh38, 1-based): chr2:178,536,169, G>A on the plus strand (C>T on the coding strand, the complement: TTN is on the minus strand). VCF-style: chr2-178536169-G-A. GRCh37 (hg19) VCF-style: chr2-179400896-G-A.
Other names: c.95655C>T, p.Ile31885= (NM_001256850.1); c.73383C>T, p.Ile24461= (NM_003319.4); c.92874C>T, p.Ile30958= (NM_133378.4); c.73758C>T, p.Ile24586= (NM_133432.3); c.73959C>T, p.Ile24653= (NM_133437.4).
Identifiers: ClinVar variation 513418 (VCV000513418.16), dbSNP rs764709619, ClinGen allele CA1986017.

ClinVar aggregate classification (germline): Likely benign. Review status: criteria provided, multiple submitters, no conflicts (2 of 4 stars). 5 submissions from 5 submitters: Likely benign (5). Last evaluated 2025-04-30.

Conditions:
Cardiovascular phenotype. Identifiers: MedGen CN230736.
Autosomal recessive limb-girdle muscular dystrophy type 2J (LGMDR10). Also called: Limb-girdle muscular dystrophy, type 2J; MUSCULAR DYSTROPHY, LIMB-GIRDLE, AUTOSOMAL RECESSIVE 10. Identifiers: Orphanet 140922, MedGen C1837342, MONDO:0012127, OMIM 608807.
Dilated cardiomyopathy 1G (CMD1G). Identifiers: Orphanet 154, MedGen C1858763, MONDO:0011400, OMIM 604145.
Cardiomyopathy (CMYO). Also called: Cardiomyopathies. Identifiers: Orphanet 167848, MedGen C0878544, MONDO:0004994, HP:0001638. Inheritance: Various modes of inheritance.

Allele frequency attached by ClinVar (database versions not stated): ExAC 0.00001; gnomAD 0.00001; gnomAD exomes 0.00001; TOPMed 0.00001.
gnomAD v4.1: 10 of 1,613,392 alleles (0.00062%); highest among the groups gnomAD compares: Admixed American, 0.0067%; no homozygotes.

Submissions (5):

Labcorp Genetics (formerly Invitae), Labcorp
Classification: Likely benign for Dilated cardiomyopathy 1G; Autosomal recessive limb-girdle muscular dystrophy type 2J. Last evaluated: 2025-04-30. Review status: criteria provided, single submitter. Criteria: Invitae Variant Classification Sherloc (09022015). Collection method: clinical testing. Allele origin: germline.

CHEO Genetics Diagnostic Laboratory, Children's Hospital of Eastern Ontario
Classification: Likely benign for Cardiomyopathy. Last evaluated: 2023-02-03. Review status: criteria provided, single submitter. Criteria: ACMG Guidelines, 2015. Collection method: clinical testing. Allele origin: germline.

Ambry Genetics
Classification: Likely benign for Cardiovascular phenotype. Last evaluated: 2022-05-02. Review status: criteria provided, single submitter. Criteria: Ambry Variant Classification Scheme 2023. Collection method: clinical testing. Allele origin: germline.

Blueprint Genetics
Classification: Likely benign. Last evaluated: 2022-03-08. Review status: criteria provided, single submitter. Criteria: ACMG Guidelines, 2015. Collection method: clinical testing. Allele origin: germline.

GeneDx
Classification: Likely benign. Last evaluated: 2017-11-14. Review status: criteria provided, single submitter. Criteria: GeneDx Variant Classification (06012015). Collection method: clinical testing. Allele origin: germline. Affected: yes.
Comment: This variant is considered likely benign or benign based on one or more of the following criteria: it is a conservative change, it occurs at a poorly conserved position in the protein, it is predicted to be benign by multiple in silico algorithms, and/or has population frequency not consistent with disease.